The following is an entry in ClinVar:

NM_012082.4(ZFPM2):c.1334C>T (p.Thr445Ile)

Genes: ZFPM2 (zinc finger protein, FOG family member 2; plus strand), ZFPM2-AS1 (ZFPM2 antisense RNA 1; minus strand). Cytogenetic location: 8q23.1.
Variant type: single nucleotide variant.
Coding change: c.1334C>T on transcript NM_012082.4 (MANE Select); coding-DNA position 1334, C replaced by T.
Protein change: p.Thr445Ile; replaces threonine 445 with isoleucine.
Molecular consequence: missense variant.
Genome position (GRCh38, 1-based): chr8:105,801,416, C>T. VCF-style: chr8-105801416-C-T. GRCh37 (hg19) VCF-style: chr8-106813644-C-T.
Other names: c.1175C>T, p.Thr392Ile (NM_001362836.2); c.938C>T, p.Thr313Ile (NM_001362837.2); short protein forms T313I, T445I, T392I.
Identifiers: ClinVar variation 3674026 (VCV003674026.2).

ClinVar aggregate classification (germline): Uncertain significance (1 of 4 stars; one submission).

Conditions:
46,XY sex reversal 9 (SRXY9). Also called: 46,XY SEX REVERSAL, ZFPM2-RELATED. Identifiers: Orphanet 251510, MedGen C4015129, MONDO:0014480, OMIM 616067.

gnomAD v4.1: 1 of 1,613,892 alleles (0.000062%); highest among the groups gnomAD compares: Admixed American, 0.0017%; no homozygotes.

Submission:

Labcorp Genetics (formerly Invitae), Labcorp
Classification: Uncertain significance for 46,XY sex reversal 9. Last evaluated: 2024-10-29. Review status: criteria provided, single submitter. Criteria: Invitae Variant Classification Sherloc (09022015). Collection method: clinical testing. Allele origin: germline.
Comment: This sequence change replaces threonine, which is neutral and polar, with isoleucine, which is neutral and non-polar, at codon 445 of the ZFPM2 protein (p.Thr445Ile). This variant is present in population databases (no rsID available, gnomAD 0.003%). This variant has not been reported in the literature in individuals affected with ZFPM2-related conditions. An algorithm developed to predict the effect of missense changes on protein structure and function (PolyPhen-2) suggests that this variant is likely to be tolerated. In summary, the available evidence is currently insufficient to determine the role of this variant in disease. Therefore, it has been classified as a Variant of Uncertain Significance.